The following is an entry in ClinVar:

ClinVar aggregate classification (germline): Uncertain significance (1 of 4 stars; one submission).

Allele frequency attached by ClinVar (database versions not stated): ExAC 0.00001; gnomAD 0.00001; gnomAD exomes 0.00001; TOPMed 0.00001.
gnomAD v4.1: 10 of 1,612,676 alleles (0.00062%); highest among the groups gnomAD compares: Non-Finnish European, 0.00085%; no homozygotes.

Submission:

Labcorp Genetics (formerly Invitae), Labcorp
Classification: Uncertain significance. Last evaluated: 2022-02-05. Review status: criteria provided, single submitter. Criteria: Invitae Variant Classification Sherloc (09022015). Collection method: clinical testing. Allele origin: germline.
Comment: This variant is not present in population databases (gnomAD no frequency). In summary, the available evidence is currently insufficient to determine the role of this variant in disease. Therefore, it has been classified as a Variant of Uncertain Significance. Algorithms developed to predict the effect of missense changes on protein structure and function (SIFT, PolyPhen-2, Align-GVGD) all suggest that this variant is likely to be disruptive. This variant has not been reported in the literature in individuals affected with RIMS1-related conditions. This sequence change replaces glutamic acid, which is acidic and polar, with alanine, which is neutral and non-polar, at codon 980 of the RIMS1 protein (p.Glu980Ala).

NM_014989.7(RIMS1):c.2939A>C (p.Glu980Ala)

Gene: RIMS1 (regulating synaptic membrane exocytosis 1; plus strand). Cytogenetic location: 6q13.
Variant type: single nucleotide variant.
Coding change: c.2939A>C on transcript NM_014989.7 (MANE Select); coding-DNA position 2939, A replaced by C.
Protein change: p.Glu980Ala; replaces glutamic acid 980 with alanine.
Molecular consequence: missense variant.
Genome position (GRCh38, 1-based): chr6:72,258,997, A>C. VCF-style: chr6-72258997-A-C. GRCh37 (hg19) VCF-style: chr6-72968700-A-C.
Other names: c.1358A>C, p.Glu453Ala (NM_001168407.2, NM_001350415.2, NM_001350418.2 and 19 more transcripts); c.1361A>C, p.Glu454Ala (NM_001168408.2, NM_001350414.2, NM_001350416.2 and 15 more transcripts); c.1118A>C, p.Glu373Ala (NM_001168409.2, NM_001350464.2, NM_001350465.2 and 3 more transcripts); c.1316A>C, p.Glu439Ala (NM_001168410.2, NM_001350470.2, NM_001350473.2 and 1 more transcripts); c.1289A>C, p.Glu430Ala (NM_001350421.2, NM_001350430.2, NM_001350437.2 and 2 more transcripts); c.1292A>C, p.Glu431Ala (NM_001350424.2, NM_001350428.2, NM_001350459.2 and 1 more transcripts); c.1115A>C, p.Glu372Ala (NM_001350461.2, NM_001350463.2, NM_001350468.2); c.1313A>C, p.Glu438Ala (NM_001350472.2); short protein forms E372A, E453A, E430A, E431A, E454A, E373A, E438A, E439A.
Identifiers: ClinVar variation 1938147 (VCV001938147.5), dbSNP rs767469890, ClinGen allele CA3886089.